The following is an entry in ClinVar:

NM_201253.3(CRB1):c.3427del (p.Cys1143fs)

Gene: CRB1 (crumbs cell polarity complex component 1; plus strand). Cytogenetic location: 1q31.3.
Variant type: Deletion.
Coding change: c.3427del on transcript NM_201253.3 (MANE Select); coding-DNA position 3427, one base deleted (T; older notation c.3427delT).
Protein change: p.Cys1143fs; shifts the reading frame from cysteine 1143.
Molecular consequence: frameshift variant. On other transcripts: non-coding transcript variant (2), intron variant (1).
Genome position (GRCh38, 1-based): chr1:197,435,290, T deleted. VCF-style (leftmost placement, unchanged base first): chr1-197435289-CT-C. GRCh37 (hg19) VCF-style: chr1-197404419-CT-C.
Other names: c.3091del, p.Cys1031fs (NM_001193640.2); c.3355del, p.Cys1119fs (NM_001257965.2); c.2129-310del (NM_001257966.2); short protein forms C1031fs, C1119fs, C1143fs.
Identifiers: ClinVar variation 1065687 (VCV001065687.13), dbSNP rs2125500431, ClinGen allele CA2499214384.
Genomic context (GRCh38, chr1:197,435,289, plus strand): 5'-AGAGCAATTTCTCAAAATCTCTACCAATTCAGTGGTCACTGGCTGTTTGCAGTTAAATGT[CT>C]GCAACTCCAACCCCTGTTTGCATGGAGGAAACTGTGAAGACATCTATAGCTCTTATCATT-3'

ClinVar aggregate classification (germline): Pathogenic/Likely pathogenic. Review status: criteria provided, multiple submitters, no conflicts (2 of 4 stars). 7 submissions from 6 submitters: Pathogenic (5); Likely pathogenic (2). Last evaluated 2024-06-13.

Conditions:
Retinitis pigmentosa 12 (RP12). Also called: RP WITH OR WITHOUT PPRPE; RP WITH OR WITHOUT PRESERVED PARAARTERIOLE RETINAL PIGMENT EPITHELIUM; RETINITIS PIGMENTOSA WITH OR WITHOUT PARAARTERIOLAR PRESERVATION OF RETINAL PIGMENT EPITHELIUM. Identifiers: Orphanet 791, MedGen C1838647, MONDO:0010818, OMIM 600105.
Leber congenital amaurosis 8 (LCA8). Identifiers: Orphanet 65, MedGen C3151202, MONDO:0013453, OMIM 613835.
Pigmented paravenous retinochoroidal atrophy. Identifiers: Orphanet 251295, MedGen C1868310, MONDO:0008246, OMIM 172870.

Allele frequency attached by ClinVar (database versions not stated): gnomAD exomes below 0.00001.

Submissions (7):

Fulgent Genetics
Classification: Pathogenic for Pigmented paravenous retinochoroidal atrophy; Retinitis pigmentosa 12; Leber congenital amaurosis 8. Last evaluated: 2024-06-13. Review status: criteria provided, single submitter. Criteria: ACMG Guidelines, 2015. Collection method: clinical testing. Allele origin: germline.

Genome-Nilou Lab
Classification: Pathogenic for Leber congenital amaurosis 8. Last evaluated: 2023-04-11. Review status: criteria provided, single submitter. Criteria: ACMG Guidelines, 2015. Collection method: clinical testing. Allele origin: germline. Affected: no.

Genome-Nilou Lab
Classification: Pathogenic for Retinitis pigmentosa 12. Last evaluated: 2023-04-11. Review status: criteria provided, single submitter. Criteria: ACMG Guidelines, 2015. Collection method: clinical testing. Allele origin: germline. Affected: no.

Baylor Genetics
Classification: Pathogenic for Leber congenital amaurosis 8. Last evaluated: 2022-09-28. Review status: criteria provided, single submitter. Criteria: ACMG Guidelines, 2015. Collection method: clinical testing. Allele origin: unknown.

GeneDx
Classification: Likely pathogenic. Last evaluated: 2022-04-11. Review status: criteria provided, single submitter. Criteria: GeneDx Variant Classification Process June 2021. Collection method: clinical testing. Allele origin: germline. Affected: yes.
Comment: Frameshift variant predicted to result in protein truncation or nonsense mediated decay in a gene for which loss of function is a known mechanism of disease; Observed in a patient with retinitis pigmentosa with preserved paraarteriolar retinal pigment epithelium in the presence of a second CRB1 variant, although it is unknown if the second CRB1 variant is on the opposite allele (in trans) (den Hollander AI et al., 2004); Not observed at significant frequency in large population cohorts (gnomAD); This variant is associated with the following publications: (PMID: 29053603, 15459956)

Ocular Genomics Institute, Massachusetts Eye and Ear
Classification: Likely pathogenic for Retinitis pigmentosa 12. Last evaluated: 2021-04-08. Review status: criteria provided, single submitter. Criteria: ACMG Guidelines, 2015. Collection method: research. Allele origin: germline. Affected: yes.
Comment: Through a review of available evidence we were able to apply the following criteria: PVS1, PM2. Based on this evidence we have classified this variant as Likely pathogenic.

Labcorp Genetics (formerly Invitae), Labcorp
Classification: Pathogenic for Leber congenital amaurosis 8; Retinitis pigmentosa 12. Last evaluated: 2020-09-09. Review status: criteria provided, single submitter. Criteria: Invitae Variant Classification Sherloc (09022015). Collection method: clinical testing. Allele origin: germline.
Comment: This sequence change creates a premature translational stop signal (p.Cys1143Alafs*67) in the CRB1 gene. It is expected to result in an absent or disrupted protein product. This variant is not present in population databases (ExAC no frequency). This variant has been observed in individual(s) with clinical features of CRB1-related conditions (PMID: 15459956, 29053603). This variant is also known as p.C1143fsX66 and p.C1031fs. Loss-of-function variants in CRB1 are known to be pathogenic (PMID: 10508521, 22065545, 23379534, 25412400, 26957898, 28041643, 29391521). For these reasons, this variant has been classified as Pathogenic.

Literature cited by the submitters: PubMed 15459956 (cited by Labcorp Genetics (formerly Invitae), Labcorp); PubMed 29053603 (cited by Labcorp Genetics (formerly Invitae), Labcorp); PubMed 10508521 (cited by Labcorp Genetics (formerly Invitae), Labcorp); PubMed 22065545 (cited by Labcorp Genetics (formerly Invitae), Labcorp); PubMed 23379534 (cited by Labcorp Genetics (formerly Invitae), Labcorp); PubMed 25412400 (cited by Labcorp Genetics (formerly Invitae), Labcorp); PubMed 26957898 (cited by Labcorp Genetics (formerly Invitae), Labcorp); PubMed 28041643 (cited by Labcorp Genetics (formerly Invitae), Labcorp); PubMed 29391521 (cited by Labcorp Genetics (formerly Invitae), Labcorp).